The following is an entry in ClinVar:

NM_001114753.3(ENG):c.585G>C (p.Glu195Asp)

Gene: ENG (endoglin; minus strand). Cytogenetic location: 9q34.11.
Variant type: single nucleotide variant.
Coding change: c.585G>C on transcript NM_001114753.3 (MANE Select); coding-DNA position 585, G replaced by C.
Protein change: p.Glu195Asp; replaces glutamic acid 195 with aspartic acid.
Molecular consequence: missense variant.
Genome position (GRCh38, 1-based): chr9:127,825,799, C>G on the plus strand (G>C on the coding strand, the complement: ENG is on the minus strand). VCF-style: chr9-127825799-C-G. GRCh37 (hg19) VCF-style: chr9-130588078-C-G.
Other names: c.585G>C, p.Glu195Asp (NM_000118.4, NM_001406715.1); c.39G>C, p.Glu13Asp (NM_001278138.2); c.585G>C (NM_001114753.1); short protein forms E195D, E13D.
Identifiers: ClinVar variation 2971152 (VCV002971152.4), dbSNP rs1232221985, ClinGen allele CA374983682.

ClinVar aggregate classification (germline): Conflicting classifications of pathogenicity. Review status: criteria provided, conflicting classifications (1 of 4 stars). 2 submissions from 2 submitters: Uncertain significance (1); Benign (1). Last evaluated 2026-01-20.

Conditions:
Cardiovascular phenotype. Identifiers: MedGen CN230736.
Hereditary hemorrhagic telangiectasia (HHT). Also called: ORW DISEASE; Osler Weber Rendu syndrome; OSLER-RENDU-WEBER DISEASE; Osler hemorrhagic telangiectasia syndrome. Identifiers: Orphanet 774, MedGen C0039445, MONDO:0019180. Disease mechanism: loss of function.

Allele frequency attached by ClinVar (database versions not stated): gnomAD 0.00002; TOPMed 0.00003.

Submissions (2):

Ambry Genetics
Classification: Uncertain significance for Cardiovascular phenotype. Last evaluated: 2026-01-20. Review status: criteria provided, single submitter. Criteria: Ambry Variant Classification Scheme 2023. Collection method: clinical testing. Allele origin: germline.
Comment: The p.E195D variant (also known as c.585G>C), located in coding exon 5 of the ENG gene, results from a G to C substitution at nucleotide position 585. The glutamic acid at codon 195 is replaced by aspartic acid, an amino acid with highly similar properties. This amino acid position is conserved. In addition, this alteration is predicted to be tolerated by in silico analysis. Based on the available evidence, the clinical significance of this variant remains unclear.

Labcorp Genetics (formerly Invitae), Labcorp
Classification: Benign for Hereditary hemorrhagic telangiectasia. Last evaluated: 2023-03-18. Review status: criteria provided, single submitter. Criteria: Invitae Variant Classification Sherloc (09022015). Collection method: clinical testing. Allele origin: germline.